The following is an entry in ClinVar:

NM_000093.5(COL5A1):c.1431+4A>C

Gene: COL5A1 (collagen type V alpha 1 chain; plus strand). Cytogenetic location: 9q34.3.
Variant type: single nucleotide variant.
Coding change: c.1431+4A>C on transcript NM_000093.5 (MANE Select); 4 bases into the intron after coding-DNA position 1431, A replaced by C.
Molecular consequence: intron variant.
Genome position (GRCh38, 1-based): chr9:134,738,519, A>C. VCF-style: chr9-134738519-A-C. GRCh37 (hg19) VCF-style: chr9-137630365-A-C.
Other names: c.1431+4A>C (NM_001278074.1).
Identifiers: ClinVar variation 3895064 (VCV003895064.1).

ClinVar aggregate classification (germline): Uncertain significance (1 of 4 stars; one submission).

Conditions:
Cardiovascular phenotype. Identifiers: MedGen CN230736.

Submission:

Molecular Diagnostic Laboratory for Inherited Cardiovascular Disease, Montreal Heart Institute
Classification: Uncertain significance for Cardiovascular phenotype. Last evaluated: 2025-04-09. Review status: criteria provided, single submitter. Criteria: ACMG Guidelines, 2015. Collection method: clinical testing. Allele origin: germline. Affected: yes.
Comment: PM2